The following is an entry in ClinVar:

NM_181458.4(PAX3):c.295_302del (p.Gly99fs)

Gene: PAX3 (paired box 3; minus strand). Cytogenetic location: 2q36.1.
Variant type: Deletion.
Coding change: c.295_302del on transcript NM_181458.4 (MANE Select); coding-DNA positions 295 to 302, 8 bases deleted (GGTGCCAT; older notation c.295_302delGGTGCCAT).
Protein change: p.Gly99fs; shifts the reading frame from glycine 99.
Molecular consequence: frameshift variant.
Genome position (GRCh38, 1-based): chr2:222,296,997-222,297,004, ATGGCACC deleted on the plus strand (GGTGCCAT on the coding strand, the reverse complement: PAX3 is on the minus strand); deleting any 8 consecutive bases within chr2:222,296,997-222,297,005 gives the same sequence; the c. name uses the placement nearest the transcript's 3' end. VCF-style (leftmost placement, unchanged base first): chr2-222296996-GATGGCACC-G. GRCh37 (hg19) VCF-style: chr2-223161715-GATGGCACC-G.
Other names: c.295_302del, p.Gly99fs (NM_000438.6, NM_001127366.3, NM_013942.5 and 4 more transcripts); short protein forms G99fs.
Identifiers: ClinVar variation 2012268 (VCV002012268.4), dbSNP rs2469485801, ClinGen allele CA2580065794.

ClinVar aggregate classification (germline): Pathogenic (1 of 4 stars; one submission).

Submission:

Labcorp Genetics (formerly Invitae), Labcorp
Classification: Pathogenic. Last evaluated: 2022-06-29. Review status: criteria provided, single submitter. Criteria: Invitae Variant Classification Sherloc (09022015). Collection method: clinical testing. Allele origin: germline.
Comment: For these reasons, this variant has been classified as Pathogenic. This variant has not been reported in the literature in individuals affected with PAX3-related conditions. This variant is not present in population databases (gnomAD no frequency). This sequence change creates a premature translational stop signal (p.Gly99Argfs*12) in the PAX3 gene. It is expected to result in an absent or disrupted protein product. Loss-of-function variants in PAX3 are known to be pathogenic (PMID: 20127975, 23512835).

Literature cited by the submitters: PubMed 20127975; PubMed 23512835.